The following is an entry in ClinVar:

NM_002476.2(MYL4):c.361C>T (p.Gln121Ter)

Gene: MYL4 (myosin light chain 4; plus strand). Cytogenetic location: 17q21.32.
Variant type: single nucleotide variant.
Coding change: c.361C>T on transcript NM_002476.2 (MANE Select); coding-DNA position 361, C replaced by T.
Protein change: p.Gln121Ter; replaces glutamine 121 with a stop codon.
Molecular consequence: nonsense.
Genome position (GRCh38, 1-based): chr17:47,221,729, C>T. VCF-style: chr17-47221729-C-T. GRCh37 (hg19) VCF-style: chr17-45299095-C-T.
Other names: c.361C>T, p.Gln121Ter (NM_001002841.2); short protein forms Q121*.
Identifiers: ClinVar variation 2165639 (VCV002165639.1), dbSNP rs777913899, ClinGen allele CA8622727.

ClinVar aggregate classification (germline): Pathogenic (1 of 4 stars; one submission).

Conditions:
Atrial fibrillation, familial, 18 (ATFB18). Identifiers: MedGen C4310636, MONDO:0015001, OMIM 617280.

Allele frequency attached by ClinVar (database versions not stated): ExAC 0.00001; gnomAD exomes 0.00001.

Submission:

Labcorp Genetics (formerly Invitae), Labcorp
Classification: Pathogenic for Atrial fibrillation, familial, 18. Last evaluated: 2022-06-30. Review status: criteria provided, single submitter. Criteria: Invitae Variant Classification Sherloc (09022015). Collection method: clinical testing. Allele origin: germline.
Comment: This sequence change creates a premature translational stop signal (p.Gln121*) in the MYL4 gene. It is expected to result in an absent or disrupted protein product. Loss-of-function variants in MYL4 are known to be pathogenic (PMID: 25807286, 27742809). This variant is present in population databases (rs777913899, gnomAD 0.006%). This variant has not been reported in the literature in individuals affected with MYL4-related conditions. For these reasons, this variant has been classified as Pathogenic.

Literature cited by the submitters: PubMed 25807286; PubMed 27742809.